The following is an entry in ClinVar:

ClinVar aggregate classification (germline): Pathogenic/Likely pathogenic. Review status: criteria provided, multiple submitters, no conflicts (2 of 4 stars). 5 submissions from 5 submitters: Pathogenic (1); Likely pathogenic (4). Last evaluated 2025-03-31.

Conditions:
Congenital myasthenic syndrome (CMS). Also called: Congenital Myasthenic Syndromes. Identifiers: Orphanet 590, MedGen C0751882, MeSH D020294, MONDO:0018940.
Congenital myasthenic syndrome 4A. Also called: MYASTHENIC SYNDROME, CONGENITAL, 4A, SLOW-CHANNEL, AUTOSOMAL RECESSIVE; CONGENITAL MYASTHENIC SYNDROME TYPE Ia1; Myasthenic syndrome, congenital, 4a, slow-channel. Identifiers: Orphanet 590, MedGen C4225413, MONDO:0011600, OMIM 605809.

Allele frequency attached by ClinVar (database versions not stated): TOPMed 0.00001; ESP Exome Variant Server 0.00008.

Submissions (5):

Natera, Inc.
Classification: Likely pathogenic for Congenital myasthenic syndrome. Last evaluated: 2025-03-31. Review status: criteria provided, single submitter. Criteria: Natera Variant Classification Schema (03/2026). Collection method: clinical testing. Allele origin: germline.
Comment: The c.1220-1G>C variant in CHRNE is a canonical splice acceptor site variant predicted to affect pre-mRNA splicing, which may result in an abnormal transcript and altered protein product. This variant is expected to result in nonsense mediated decay, truncation, or a dysfunctional protein product. This variant is rare in the general population with a frequency below the threshold expected for the associated phenotype(s). Given the available evidence, this variant is classified as Likely Pathogenic.

Labcorp Genetics (formerly Invitae), Labcorp
Classification: Likely pathogenic for Congenital myasthenic syndrome 4A. Last evaluated: 2024-01-15. Review status: criteria provided, single submitter. Criteria: Invitae Variant Classification Sherloc (09022015). Collection method: clinical testing. Allele origin: germline.
Comment: This sequence change affects an acceptor splice site in intron 10 of the CHRNE gene. It is expected to disrupt RNA splicing. Variants that disrupt the donor or acceptor splice site typically lead to a loss of protein function (PMID: 16199547), and loss-of-function variants in CHRNE are known to be pathogenic (PMID: 22678886). The frequency data for this variant in the population databases is considered unreliable, as metrics indicate poor data quality at this position in the gnomAD database. This variant has not been reported in the literature in individuals affected with CHRNE-related conditions. ClinVar contains an entry for this variant (Variation ID: 859561). Algorithms developed to predict the effect of sequence changes on RNA splicing suggest that this variant may disrupt the consensus splice site. In summary, the currently available evidence indicates that the variant is pathogenic, but additional data are needed to prove that conclusively. Therefore, this variant has been classified as Likely Pathogenic.

Baylor Genetics
Classification: Likely pathogenic for Congenital myasthenic syndrome 4A. Last evaluated: 2023-12-14. Review status: criteria provided, single submitter. Criteria: ACMG Guidelines, 2015. Collection method: clinical testing. Allele origin: unknown.

CeGaT Center for Human Genetics Tuebingen
Classification: Pathogenic. Last evaluated: 2020-01-01. Review status: criteria provided, single submitter. Criteria: CeGaT Center For Human Genetics Tuebingen Variant Classification Criteria Version 2. Collection method: clinical testing. Allele origin: germline. Affected: yes. Observed: 1 variant allele.

GeneDx
Classification: Likely pathogenic. Last evaluated: 2019-08-24. Review status: criteria provided, single submitter. Criteria: GeneDx Variant Classification Process June 2021. Collection method: clinical testing. Allele origin: germline. Affected: yes.
Comment: Canonical splice site variant in a gene for which loss-of-function is a known mechanism of disease; Not observed at a significant frequency in large population cohorts (Lek et al., 2016); Has not been previously published as pathogenic or benign to our knowledge

Literature cited by the submitters: PubMed 16199547 (cited by Labcorp Genetics (formerly Invitae), Labcorp); PubMed 22678886 (cited by Labcorp Genetics (formerly Invitae), Labcorp).

NM_000080.4(CHRNE):c.1220-1G>C

Gene: CHRNE (cholinergic receptor nicotinic epsilon subunit; minus strand). Cytogenetic location: 17p13.2.
Variant type: single nucleotide variant.
Coding change: c.1220-1G>C on transcript NM_000080.4 (MANE Select); the canonical splice acceptor site of the intron before coding-DNA position 1220, G replaced by C.
Molecular consequence: splice acceptor variant.
Genome position (GRCh38, 1-based): chr17:4,899,108, C>G on the plus strand (G>C on the coding strand, the complement: CHRNE is on the minus strand). VCF-style: chr17-4899108-C-G. GRCh37 (hg19) VCF-style: chr17-4802403-C-G.
Identifiers: ClinVar variation 859561 (VCV000859561.54), dbSNP rs373710822, ClinGen allele CA8313935.